The following is an entry in ClinVar:

ClinVar aggregate classification (germline): Benign (1 of 4 stars; one submission).

Conditions:
Leigh syndrome (NULS). Also called: Leigh's necrotizing encephalopathy; Leigh's disease; Leigh Syndrome (mtDNA deletion); Leigh Disease; Subacute necrotizing encephalopathy; Necrotizing encephalopathy infantile subacute of Leigh. Identifiers: Orphanet 506, MedGen C2931891, MONDO:0009723, OMIM 256000.

Submission:

Wong Mito Lab, Molecular and Human Genetics, Baylor College of Medicine
Classification: Benign for Leigh syndrome. Last evaluated: 2019-10-17. Review status: criteria provided, single submitter. Criteria: Modified ACMG Guidelines (Unpublished). Collection method: clinical testing. Allele origin: germline.
Comment: The NC_012920.1:m.7604G>A (YP_003024029.1:p.Val7Met) variant in MTCO2 gene is interpretated to be a Benign variant based on the modified ACMG guidelines (unpublished). This variant meets the following evidence codes: BS1, BS2, BP4

NC_012920.1(MT-CO2):m.7604G>A

Gene: MT-CO2 (mitochondrially encoded cytochrome c oxidase II; plus strand).
Variant type: single nucleotide variant.
Genome position: chrM-7604-G-A.
Identifiers: ClinVar variation 692749 (VCV000692749.1), dbSNP rs1603221034, ClinGen allele CA414792950.